The following is an entry in ClinVar:

ClinVar aggregate classification (germline): Uncertain significance (1 of 4 stars; one submission).

Conditions:
Familial thoracic aortic aneurysm and aortic dissection (TAAD). Also called: Thoracic aortic aneurysms and dissections. Identifiers: Orphanet 91387, MedGen C4707243, MONDO:0019625.

Submission:

Ambry Genetics
Classification: Uncertain significance for Familial thoracic aortic aneurysm and aortic dissection. Last evaluated: 2026-07-02. Review status: criteria provided, single submitter. Criteria: Ambry Variant Classification Scheme 2023. Collection method: clinical testing. Allele origin: germline.
Comment: The p.V125I variant (also known as c.373G>A), located in coding exon 2 of the MYH11 gene, results from a G to A substitution at nucleotide position 373. The valine at codon 125 is replaced by isoleucine, an amino acid with highly similar properties. This amino acid position is conserved. In addition, this alteration is predicted to be tolerated by in silico analysis. Based on the available evidence, the clinical significance of this variant remains unclear.

NM_002474.3(MYH11):c.373G>A (p.Val125Ile)

Gene: MYH11 (myosin heavy chain 11; minus strand). Cytogenetic location: 16p13.11.
Variant type: single nucleotide variant.
Coding change: c.373G>A on transcript NM_002474.3 (MANE Select); coding-DNA position 373, G replaced by A.
Protein change: p.Val125Ile; replaces valine 125 with isoleucine.
Molecular consequence: missense variant.
Genome position (GRCh38, 1-based): chr16:15,823,384, C>T on the plus strand (G>A on the coding strand, the complement: MYH11 is on the minus strand). VCF-style: chr16-15823384-C-T. GRCh37 (hg19) VCF-style: chr16-15917241-C-T.
Other names: c.373G>A, p.Val125Ile (NM_001040113.2, NM_001040114.2, NM_022844.3); short protein forms V125I.
Identifiers: ClinVar variation 5025068 (VCV005025068.1).
Genomic context (GRCh38, chr16:15,823,384, plus strand): 5'-TGCCCTTGTACATGTCGACGATCTTCTCCGAGTAGATGGGCAGGTGTTTATAGGGGTTGA[C>T]CACCACGCAGAAGAGGCCAGAGTACGTCTGCAGACAGAGAACCCAGCTTACTTCCAGACC-3'
Protein context (NP_002465.1, residues 115-135): YTYSGLFCVV[Val125Ile]NPYKHLPIYS